The following is an entry in ClinVar:

ClinVar aggregate classification (germline): Benign. Review status: criteria provided, multiple submitters, no conflicts (2 of 4 stars). 2 submissions from 2 submitters: Benign (2). Last evaluated 2018-06-16.

Allele frequency attached by ClinVar (database versions not stated): 1000 Genomes Project 0.06490; 1000 Genomes Project 30x 0.06699; gnomAD exomes 0.06978 and 0.07764; ExAC 0.07049; ESP Exome Variant Server 0.07399; gnomAD 0.07464 and 0.07508; TOPMed 0.07527.
gnomAD v4.1: 124,940 of 1,610,586 alleles (7.8%); highest among the groups gnomAD compares: Middle Eastern, 11%; 5,352 homozygotes.

Submissions (2):

GeneDx
Classification: Benign. Last evaluated: 2018-06-16. Review status: criteria provided, single submitter. Criteria: GeneDx Variant Classification (06012015). Collection method: clinical testing. Allele origin: germline. Affected: yes.
Comment: This variant is considered likely benign or benign based on one or more of the following criteria: it is a conservative change, it occurs at a poorly conserved position in the protein, it is predicted to be benign by multiple in silico algorithms, and/or has population frequency not consistent with disease.

Breakthrough Genomics
Classification: Benign. Review status: criteria provided, single submitter. Criteria: ACMG Guidelines, 2015. Collection method: not provided. Allele origin: germline. Inheritance: Autosomal dominant inheritance. Affected: yes.

NM_022489.4(INF2):c.668-32C>T

Gene: INF2 (inverted formin 2; plus strand). Cytogenetic location: 14q32.33.
Variant type: single nucleotide variant.
Coding change: c.668-32C>T on transcript NM_022489.4 (MANE Select); 32 bases into the intron before coding-DNA position 668, C replaced by T.
Molecular consequence: intron variant.
Genome position (GRCh38, 1-based): chr14:104,703,884, C>T. VCF-style: chr14-104703884-C-T. GRCh37 (hg19) VCF-style: chr14-105170221-C-T.
Other names: c.668-32C>T (NM_001031714.4, NM_032714.3).
Identifiers: ClinVar variation 681967 (VCV000681967.2), dbSNP rs7145566, ClinGen allele CA7372380.